The following is an entry in ClinVar:

NM_133459.4(CCBE1):c.952G>T (p.Gly318Trp)

Gene: CCBE1 (collagen and calcium binding EGF domains 1; minus strand). Cytogenetic location: 18q21.32.
Variant type: single nucleotide variant.
Coding change: c.952G>T on transcript NM_133459.4 (MANE Select); coding-DNA position 952, G replaced by T.
Protein change: p.Gly318Trp; replaces glycine 318 with tryptophan.
Molecular consequence: missense variant.
Genome position (GRCh38, 1-based): chr18:59,438,146, C>A on the plus strand (G>T on the coding strand, the complement: CCBE1 is on the minus strand). VCF-style: chr18-59438146-C-A. GRCh37 (hg19) VCF-style: chr18-57105378-C-A.
Other names: short protein forms G318W.
Identifiers: ClinVar variation 1804374 (VCV001804374.1), dbSNP rs769574856, ClinGen allele CA8980238.

ClinVar aggregate classification (germline): Uncertain significance (1 of 4 stars; one submission).

Allele frequency attached by ClinVar (database versions not stated): TOPMed below 0.00001; gnomAD 0.00001.
gnomAD v4.1: 48 of 1,613,972 alleles (0.003%); highest among the groups gnomAD compares: Non-Finnish European, 0.0039%; no homozygotes.

Submission:

GeneDx
Classification: Uncertain significance. Last evaluated: 2022-06-15. Review status: criteria provided, single submitter. Criteria: GeneDx Variant Classification Process June 2021. Collection method: clinical testing. Allele origin: germline. Affected: yes.
Comment: Not observed at significant frequency in large population cohorts (gnomAD); In silico analysis supports that this missense variant has a deleterious effect on protein structure/function; Has not been previously published as pathogenic or benign to our knowledge